The following is an entry in ClinVar:

NM_000548.5(TSC2):c.743A>T (p.Asn248Ile)

Gene: TSC2 (TSC complex subunit 2; plus strand). Cytogenetic location: 16p13.3.
Variant type: single nucleotide variant.
Coding change: c.743A>T on transcript NM_000548.5 (MANE Select); coding-DNA position 743, A replaced by T.
Protein change: p.Asn248Ile; replaces asparagine 248 with isoleucine.
Molecular consequence: missense variant.
Genome position (GRCh38, 1-based): chr16:2,056,738, A>T. VCF-style: chr16-2056738-A-T. GRCh37 (hg19) VCF-style: chr16-2106739-A-T.
Other names: c.743A>T, p.Asn248Ile (NM_001077183.3, NM_001114382.3, NM_001363528.2 and 3 more transcripts); c.632A>T, p.Asn211Ile (NM_001318827.2); c.596A>T, p.Asn199Ile (NM_001318829.2); c.143A>T, p.Asn48Ile (NM_001318831.2); c.776A>T, p.Asn259Ile (NM_001318832.2); short protein forms N248I, N259I, N199I, N211I, N48I.
Identifiers: ClinVar variation 405965 (VCV000405965.11), dbSNP rs762104739, ClinGen allele CA16614645.

ClinVar aggregate classification (germline): Conflicting classifications of pathogenicity. Review status: criteria provided, conflicting classifications (1 of 4 stars). 2 submissions from 2 submitters: Uncertain significance (1); Benign (1). Last evaluated 2026-07-02.

Conditions:
Tuberous sclerosis 2 (TSC2). Identifiers: Orphanet 805, MedGen C1860707, MONDO:0013199, OMIM 613254.
Hereditary cancer-predisposing syndrome. Also called: Neoplastic Syndromes, Hereditary; Hereditary Cancer Syndrome; Tumor predisposition; Hereditary neoplastic syndrome. Identifiers: Orphanet 140162, MedGen C0027672, MeSH D009386, MONDO:0015356.

gnomAD v4.1: 1 of 1,611,628 alleles (0.000062%); highest among the groups gnomAD compares: African/African-American, 0.0013%; no homozygotes.

Submissions (2):

Ambry Genetics
Classification: Uncertain significance for Hereditary cancer-predisposing syndrome. Last evaluated: 2026-07-02. Review status: criteria provided, single submitter. Criteria: Ambry Variant Classification Scheme 2023. Collection method: clinical testing. Allele origin: germline.
Comment: The p.N248I variant (also known as c.743A>T), located in coding exon 7 of the TSC2 gene, results from an A to T substitution at nucleotide position 743. The asparagine at codon 248 is replaced by isoleucine, an amino acid with dissimilar properties. This amino acid position is conserved. In addition, this alteration is predicted to be deleterious by in silico analysis. Based on the available evidence, the clinical significance of this variant remains unclear.

Labcorp Genetics (formerly Invitae), Labcorp
Classification: Benign for Tuberous sclerosis 2. Last evaluated: 2022-03-08. Review status: criteria provided, single submitter. Criteria: Invitae Variant Classification Sherloc (09022015). Collection method: clinical testing. Allele origin: germline.